The following is an entry in ClinVar:

ClinVar aggregate classification (germline): Likely benign (1 of 4 stars; one submission).

Conditions:
ZFYVE19-related disorder. Also called: ZFYVE19-related condition.

Submission:

PreventionGenetics, part of Exact Sciences
Classification: Likely benign for ZFYVE19-related condition. Last evaluated: 2026-08-28. Review status: criteria provided, single submitter. Criteria: ACMG Guidelines, 2015. Collection method: clinical testing. Allele origin: germline.
Comment: This variant is classified as likely benign based on ACMG/AMP sequence variant interpretation guidelines (Richards et al. 2015 PMID: 25741868, with internal and published modifications).

NM_001077268.2(ZFYVE19):c.1206T>C (p.Pro402=)

Gene: ZFYVE19 (zinc finger FYVE-type containing 19; plus strand). Cytogenetic location: 15q15.1.
Variant type: single nucleotide variant.
Coding change: c.1206T>C on transcript NM_001077268.2 (MANE Select); coding-DNA position 1206, T replaced by C.
Protein change: p.Pro402=; no amino-acid change (proline 402 retained).
Molecular consequence: synonymous variant.
Genome position (GRCh38, 1-based): chr15:40,813,808, T>C. VCF-style: chr15-40813808-T-C. GRCh37 (hg19) VCF-style: chr15-41106006-T-C.
Other names: c.1002T>C, p.Pro334= (NM_001258420.2); c.681T>C, p.Pro227= (NM_001258421.2); c.1176T>C, p.Pro392= (NM_032850.5).
Identifiers: ClinVar variation 4988959 (VCV004988959.1).
Genomic context (GRCh38, chr15:40,813,808, plus strand): 5'-CTTTAACATCCCTGCAGAGCAGGCTTCTCGACCCTGGACGCAACCCCGCGGGGCAGAGCC[T>C]GAGGTGAGAAAAGCCCCAGATGCAGACCCCCAGGCTCCCCCCAGCCTTGCTTCCTGCCTG-3'
Protein context (NP_001070736.1, residues 392-412): RPWTQPRGAE[Pro402=]EAQDVDPRPE